The following is an entry in ClinVar:

ClinVar aggregate classification (germline): Pathogenic (1 of 4 stars; one submission).

Submission:

Labcorp Genetics (formerly Invitae), Labcorp
Classification: Pathogenic. Last evaluated: 2020-01-03. Review status: criteria provided, single submitter. Criteria: Invitae Variant Classification Sherloc (09022015). Collection method: clinical testing. Allele origin: germline.
Comment: This variant is an out-of-frame deletion of the genomic region encompassing exon(s) 15-22 of the EYS gene. This is expected to create a premature translational stop signal and result in an absent or disrupted protein product. This variant has been observed in individual(s) with autosomal recessive retinitis pigmentosa (PMID: 26766544). Loss-of-function variants in EYS are known to be pathogenic (PMID: 18836446, 20333770). For these reasons, this variant has been classified as Pathogenic.

Literature cited by the submitters: PubMed 26766544.

NC_000006.12:g.(?_64813378)_(64945914_?)del

Gene: EYS (eyes shut homolog; minus strand). Cytogenetic location: 6q12.
Variant type: Deletion.
Identifiers: ClinVar variation 831708 (VCV000831708.1).